The following is an entry in ClinVar:

ClinVar aggregate classification (germline): Uncertain significance (1 of 4 stars; one submission).

Allele frequency attached by ClinVar (database versions not stated): gnomAD exomes 0.00001; TOPMed 0.00001.
gnomAD v4.1: 17 of 1,614,112 alleles (0.0011%); highest among the groups gnomAD compares: Non-Finnish European, 0.0014%; no homozygotes.

Submission:

Institute for Clinical Genetics, University Hospital TU Dresden, University Hospital TU Dresden
Classification: Uncertain significance. Last evaluated: 2019-04-23. Review status: criteria provided, single submitter. Criteria: ACMG Guidelines, 2015. Collection method: clinical testing. Allele origin: maternal.
Comment: PP3, PM2_SUP

NM_032634.4(PIGO):c.2561G>A (p.Arg854His)

Gene: PIGO (phosphatidylinositol glycan anchor biosynthesis class O; minus strand). Cytogenetic location: 9p13.3.
Variant type: single nucleotide variant.
Coding change: c.2561G>A on transcript NM_032634.4 (MANE Select); coding-DNA position 2561, G replaced by A.
Protein change: p.Arg854His; replaces arginine 854 with histidine.
Molecular consequence: missense variant. On other transcripts: intron variant (2).
Genome position (GRCh38, 1-based): chr9:35,091,326, C>T on the plus strand (G>A on the coding strand, the complement: PIGO is on the minus strand). VCF-style: chr9-35091326-C-T. GRCh37 (hg19) VCF-style: chr9-35091323-C-T.
Other names: c.1345-35G>A (NM_152850.4, NM_001201484.2); short protein forms R854H.
Identifiers: ClinVar variation 2575982 (VCV002575982.1), dbSNP rs974939782, ClinGen allele CA192709720.